The following is an entry in ClinVar:

ClinVar aggregate classification (germline): Pathogenic (1 of 4 stars; one submission).

Submission:

Labcorp Genetics (formerly Invitae), Labcorp
Classification: Pathogenic. Last evaluated: 2025-12-16. Review status: criteria provided, single submitter. Criteria: Invitae Variant Classification Sherloc (09022015). Collection method: clinical testing. Allele origin: germline.
Comment: This sequence change creates a premature translational stop signal (p.Tyr281*) in the RDH5 gene. While this is not anticipated to result in nonsense mediated decay, it is expected to disrupt the last 38 amino acid(s) of the RDH5 protein. This variant is not present in population databases (gnomAD no frequency). This variant has not been reported in the literature in individuals affected with RDH5-related conditions. ClinVar contains an entry for this variant (Variation ID: 3640661). Algorithms developed to predict the effect of sequence changes on RNA splicing suggest that this variant may create or strengthen a splice site. This variant disrupts a region of the RDH5 protein in which other variant(s) (p.Leu310delinsGluVal) have been determined to be pathogenic (PMID: 11053295, 11675386, 15007239, 28393863). This suggests that this is a clinically significant region of the protein, and that variants that disrupt it are likely to be disease-causing. For these reasons, this variant has been classified as Pathogenic.

Literature cited by the submitters: PubMed 11053295; PubMed 11675386; PubMed 15007239; PubMed 28393863.

NM_002905.5(RDH5):c.843C>G (p.Tyr281Ter)

Genes: BLOC1S1-RDH5 (BLOC1S1-RDH5 readthrough; plus strand), RDH5 (retinol dehydrogenase 5; plus strand), CD63 (CD63 molecule; minus strand). Cytogenetic location: 12q13.2.
Variant type: single nucleotide variant.
Coding change: c.843C>G on transcript NM_002905.5 (MANE Select); coding-DNA position 843, C replaced by G.
Protein change: p.Tyr281Ter; replaces tyrosine 281 with a stop codon.
Molecular consequence: nonsense. On other transcripts: non-coding transcript variant (1), 3 prime UTR variant (2).
Genome position (GRCh38, 1-based): chr12:55,724,431, C>G. VCF-style: chr12-55724431-C-G. GRCh37 (hg19) VCF-style: chr12-56118215-C-G.
Other names: c.843C>G, p.Tyr281Ter (NM_001199771.3); c.*633G>C (NM_001413284.1); c.*648G>C (NM_001413285.1); short protein forms Y281*.
Identifiers: ClinVar variation 3640661 (VCV003640661.2).